The following is an entry in ClinVar:

NM_001197104.2(KMT2A):c.10691G>A (p.Arg3564Gln)

Gene: KMT2A (lysine methyltransferase 2A; plus strand). Cytogenetic location: 11q23.3.
Variant type: single nucleotide variant.
Coding change: c.10691G>A on transcript NM_001197104.2 (MANE Select); coding-DNA position 10691, G replaced by A.
Protein change: p.Arg3564Gln; replaces arginine 3564 with glutamine.
Molecular consequence: missense variant.
Genome position (GRCh38, 1-based): chr11:118,506,583, G>A. VCF-style: chr11-118506583-G-A. GRCh37 (hg19) VCF-style: chr11-118377298-G-A.
Other names: c.10682G>A, p.Arg3561Gln (NM_005933.4); short protein forms R3561Q, R3564Q.
Identifiers: ClinVar variation 1418432 (VCV001418432.7), dbSNP rs782763989, ClinGen allele CA6304793.
Genomic context (GRCh38, chr11:118,506,583, plus strand): 5'-AACGGTTTCAGCTGCCTCTAGACAAAGGGAATGGCAAGAAGCACAAAGTTTCCCATTTGC[G>A]GACCAGTTCTTCTGAAGCACACATTCCAGACCAAGAAACGACATCCCTGACCTCAGGCAC-3'
Protein context (NP_001184033.1, residues 3554-3574): NGKKHKVSHL[Arg3564Gln]TSSSEAHIPD

ClinVar aggregate classification (germline): Uncertain significance (1 of 4 stars; one submission).

Allele frequency attached by ClinVar (database versions not stated): ExAC 0.00002; gnomAD 0.00002 and 0.00003; gnomAD exomes 0.00002 and 0.00003; TOPMed 0.00002.
gnomAD v4.1: 45 of 1,613,954 alleles (0.0028%); highest among the groups gnomAD compares: Middle Eastern, 0.049%; no homozygotes.

Submissions (3):

Labcorp Genetics (formerly Invitae), Labcorp
Classification: Uncertain significance. Last evaluated: 2025-10-18. Review status: criteria provided, single submitter. Criteria: Invitae Variant Classification Sherloc (09022015). Collection method: clinical testing. Allele origin: germline.
Comment: This sequence change replaces arginine, which is basic and polar, with glutamine, which is neutral and polar, at codon 3564 of the KMT2A protein (p.Arg3564Gln). This variant is present in population databases (rs782763989, gnomAD 0.006%). This variant has not been reported in the literature in individuals affected with KMT2A-related conditions. ClinVar contains an entry for this variant (Variation ID: 1418432). Invitae Evidence Modeling of protein sequence and biophysical properties (such as structural, functional, and spatial information, amino acid conservation, physicochemical variation, residue mobility, and thermodynamic stability) indicates that this missense variant is not expected to disrupt KMT2A protein function with a negative predictive value of 95%. In summary, the available evidence is currently insufficient to determine the role of this variant in disease. Therefore, it has been classified as a Variant of Uncertain Significance.

Dr. Peter K. Rogan Lab, Western University
No classification provided (evidence only). Condition: Clear cell carcinoma of kidney. Review status: no classification provided. Collection method: in vitro. Allele origin: not applicable. Functional consequence: skipped exon. Not counted in ClinVar's aggregate classification.

Dr. Peter K. Rogan Lab, Western University
No classification provided (evidence only). Condition: Thyroid cancer, nonmedullary, 1. Review status: no classification provided. Collection method: in vitro. Allele origin: not applicable. Functional consequence: retained intron. Not counted in ClinVar's aggregate classification.